The following is an entry in ClinVar:

ClinVar aggregate classification (germline): Uncertain significance. Review status: criteria provided, multiple submitters, no conflicts (2 of 4 stars). 2 submissions from 2 submitters: Uncertain significance (2). Last evaluated 2026-01-14.

Conditions:
Hereditary hemorrhagic telangiectasia (HHT). Also called: Osler hemorrhagic telangiectasia syndrome; ORW DISEASE; Osler Weber Rendu syndrome; OSLER-RENDU-WEBER DISEASE. Identifiers: Orphanet 774, MedGen C0039445, MONDO:0019180. Disease mechanism: loss of function.
Cardiovascular phenotype. Identifiers: MedGen CN230736.

Allele frequency attached by ClinVar (database versions not stated): gnomAD exomes below 0.00001.
gnomAD v4.1: 3 of 1,613,824 alleles (0.00019%); highest among the groups gnomAD compares: Non-Finnish European, 0.00025%; no homozygotes.

Submissions (2):

Ambry Genetics
Classification: Uncertain significance for Cardiovascular phenotype. Last evaluated: 2026-01-14. Review status: criteria provided, single submitter. Criteria: Ambry Variant Classification Scheme 2023. Collection method: clinical testing. Allele origin: germline.
Comment: The p.T343A variant (also known as c.1027A>G), located in coding exon 8 of the ENG gene, results from an A to G substitution at nucleotide position 1027. The threonine at codon 343 is replaced by alanine, an amino acid with similar properties. This amino acid position is conserved. In addition, this alteration is predicted to be tolerated by in silico analysis. Based on the available evidence, the clinical significance of this variant remains unclear.

Labcorp Genetics (formerly Invitae), Labcorp
Classification: Uncertain significance for Hereditary hemorrhagic telangiectasia. Last evaluated: 2020-08-09. Review status: criteria provided, single submitter. Criteria: Invitae Variant Classification Sherloc (09022015). Collection method: clinical testing. Allele origin: germline.
Comment: In summary, the available evidence is currently insufficient to determine the role of this variant in disease. Therefore, it has been classified as a Variant of Uncertain Significance. Advanced modeling of protein sequence and biophysical properties (such as structural, functional, and spatial information, amino acid conservation, physicochemical variation, residue mobility, and thermodynamic stability) performed at Invitae indicates that this missense variant is not expected to disrupt ENG protein function. This variant has not been reported in the literature in individuals with ENG-related conditions. This variant is not present in population databases (ExAC no frequency). This sequence change replaces threonine with alanine at codon 343 of the ENG protein (p.Thr343Ala). The threonine residue is moderately conserved and there is a small physicochemical difference between threonine and alanine.

NM_001114753.3(ENG):c.1027A>G (p.Thr343Ala)

Gene: ENG (endoglin; minus strand). Cytogenetic location: 9q34.11.
Variant type: single nucleotide variant.
Coding change: c.1027A>G on transcript NM_001114753.3 (MANE Select); coding-DNA position 1027, A replaced by G.
Protein change: p.Thr343Ala; replaces threonine 343 with alanine.
Molecular consequence: missense variant.
Genome position (GRCh38, 1-based): chr9:127,824,411, T>C on the plus strand (A>G on the coding strand, the complement: ENG is on the minus strand). VCF-style: chr9-127824411-T-C. GRCh37 (hg19) VCF-style: chr9-130586690-T-C.
Other names: c.1027A>G, p.Thr343Ala (NM_000118.4, NM_001406715.1); c.481A>G, p.Thr161Ala (NM_001278138.2); c.1027A>G (NM_001114753.1); short protein forms T161A, T343A.
Identifiers: ClinVar variation 1056057 (VCV001056057.11), dbSNP rs2131886016, ClinGen allele CA374981694.